The following is an entry in ClinVar:

NM_004364.5(CEBPA):c.623T>C (p.Phe208Ser)

Gene: CEBPA (CCAAT enhancer binding protein alpha; minus strand). Cytogenetic location: 19q13.11.
Variant type: single nucleotide variant.
Coding change: c.623T>C on transcript NM_004364.5 (MANE Select); coding-DNA position 623, T replaced by C.
Protein change: p.Phe208Ser; replaces phenylalanine 208 with serine.
Molecular consequence: missense variant.
Genome position (GRCh38, 1-based): chr19:33,301,792, A>G on the plus strand (T>C on the coding strand, the complement: CEBPA is on the minus strand). VCF-style: chr19-33301792-A-G. GRCh37 (hg19) VCF-style: chr19-33792698-A-G.
Other names: c.623T>C (NM_004364.3); c.266T>C, p.Phe89Ser (NM_001285829.2); c.728T>C, p.Phe243Ser (NM_001287424.2); c.581T>C, p.Phe194Ser (NM_001287435.2); short protein forms F208S, F194S, F243S, F89S.
Identifiers: ClinVar variation 660179 (VCV000660179.14), dbSNP rs1347174767, ClinGen allele CA405274559.

ClinVar aggregate classification (germline): Uncertain significance. Review status: criteria provided, multiple submitters, no conflicts (2 of 4 stars). 4 submissions from 4 submitters: Uncertain significance (4). Last evaluated 2025-07-01.

Conditions:
Acute myeloid leukemia (AML). Also called: Acute myeloid leukemia, adult; AML adult; Acute non-lymphocytic leukemia; Acute granulocytic leukemia; Leukemia, acute myeloid, somatic; Leukemia, acute myelogenous, somatic. Identifiers: Orphanet 519, MedGen C0023467, MeSH D015470, MONDO:0018874, OMIM 601626, HP:0004808. Disease mechanism: Constitutively activated FLT3.
Inborn genetic diseases. Identifiers: MedGen C0950123, MeSH D030342.

Allele frequency attached by ClinVar (database versions not stated): gnomAD 0.00001; gnomAD exomes 0.00001.

Submissions (4):

Ambry Genetics
Classification: Uncertain significance for Inborn genetic diseases. Last evaluated: 2025-07-01. Review status: criteria provided, single submitter. Criteria: Ambry Variant Classification Scheme 2023. Collection method: clinical testing. Allele origin: germline.

GeneDx
Classification: Uncertain significance. Last evaluated: 2024-01-26. Review status: criteria provided, single submitter. Criteria: GeneDx Variant Classification Process June 2021. Collection method: clinical testing. Allele origin: germline. Affected: yes.
Comment: Not observed at significant frequency in large population cohorts (gnomAD); In silico analysis supports that this missense variant has a deleterious effect on protein structure/function; Has not been previously published as pathogenic or benign to our knowledge

Labcorp Genetics (formerly Invitae), Labcorp
Classification: Uncertain significance for Acute myeloid leukemia. Last evaluated: 2023-02-11. Review status: criteria provided, single submitter. Criteria: Invitae Variant Classification Sherloc (09022015). Collection method: clinical testing. Allele origin: germline.
Comment: In summary, the available evidence is currently insufficient to determine the role of this variant in disease. Therefore, it has been classified as a Variant of Uncertain Significance. Advanced modeling of protein sequence and biophysical properties (such as structural, functional, and spatial information, amino acid conservation, physicochemical variation, residue mobility, and thermodynamic stability) performed at Invitae indicates that this missense variant is not expected to disrupt CEBPA protein function. ClinVar contains an entry for this variant (Variation ID: 660179). This variant has not been reported in the literature in individuals affected with CEBPA-related conditions. The frequency data for this variant in the population databases is considered unreliable, as metrics indicate insufficient coverage at this position in the gnomAD database. This sequence change replaces phenylalanine, which is neutral and non-polar, with serine, which is neutral and polar, at codon 208 of the CEBPA protein (p.Phe208Ser).

Genetic Services Laboratory, University of Chicago
Classification: Uncertain significance. Last evaluated: 2019-06-06. Review status: criteria provided, single submitter. Criteria: ACMG Guidelines, 2015. Collection method: clinical testing. Allele origin: germline. Affected: no.